The following is an entry in ClinVar:

NM_001110556.2(FLNA):c.464G>C (p.Trp155Ser)

Gene: FLNA (filamin A; minus strand). Cytogenetic location: Xq28.
Variant type: single nucleotide variant.
Coding change: c.464G>C on transcript NM_001110556.2 (MANE Select); coding-DNA position 464, G replaced by C.
Protein change: p.Trp155Ser; replaces tryptophan 155 with serine.
Molecular consequence: missense variant.
Genome position (GRCh38, 1-based): chrX:154,368,000, C>G on the plus strand (G>C on the coding strand, the complement: FLNA is on the minus strand). VCF-style: chrX-154368000-C-G. GRCh37 (hg19) VCF-style: chrX-153596368-C-G.
Other names: c.464G>C, p.Trp155Ser (NM_001456.4); short protein forms W155S.
Identifiers: ClinVar variation 464994 (VCV000464994.8), dbSNP rs1557179668, ClinGen allele CA415250398.

ClinVar aggregate classification (germline): Uncertain significance (1 of 4 stars; one submission).

Conditions:
Heterotopia, periventricular, X-linked dominant (PVNH1). Also called: PERIVENTRICULAR NODULAR HETEROTOPIA 1; X-linked periventricular heterotopia; PERIVENTRICULAR NODULAR HETEROTOPIA 4; HETEROTOPIA, PERIVENTRICULAR, 1. Identifiers: Orphanet 2149, Orphanet 82004, MedGen C1848213, MONDO:0010233, OMIM 300049.
Oto-palato-digital syndrome, type II (OPD2). Also called: FACIOPALATOOSSEOUS SYNDROME; OPD II SYNDROME; Otopalatodigital Syndrome Type 2 (FLNA-OPD2); Otopalatodigital Syndrome, Type II. Identifiers: Orphanet 669, Orphanet 90652, MedGen C1844696, MONDO:0010571, OMIM 304120.
Frontometaphyseal dysplasia (FMD1). Identifiers: Orphanet 1826, MedGen C0265293, MONDO:0015942.
Melnick-Needles syndrome (MNS). Also called: MELNICK-NEEDLES OSTEODYSPLASTY; OSTEODYSPLASTY OF MELNICK AND NEEDLES; Melnick-Needles Syndrome (FLNA-MNS). Identifiers: Orphanet 2484, MedGen C0025237, MONDO:0010650, OMIM 309350.

Allele frequency attached by ClinVar (database versions not stated): gnomAD exomes below 0.00001.
gnomAD v4.1: 1 of 1,208,763 alleles (0.000083%); highest among the groups gnomAD compares: Non-Finnish European, 0.00011%; no homozygotes.

Submission:

Labcorp Genetics (formerly Invitae), Labcorp
Classification: Uncertain significance for Oto-palato-digital syndrome, type II; Heterotopia, periventricular, X-linked dominant; Frontometaphyseal dysplasia; Melnick-Needles syndrome. Last evaluated: 2025-06-03. Review status: criteria provided, single submitter. Criteria: Invitae Variant Classification Sherloc (09022015). Collection method: clinical testing. Allele origin: germline.
Comment: This sequence change replaces tryptophan, which is neutral and slightly polar, with serine, which is neutral and polar, at codon 155 of the FLNA protein (p.Trp155Ser). This variant is not present in population databases (gnomAD no frequency). This variant has not been reported in the literature in individuals affected with FLNA-related conditions. ClinVar contains an entry for this variant (Variation ID: 464994). Invitae Evidence Modeling of protein sequence and biophysical properties (such as structural, functional, and spatial information, amino acid conservation, physicochemical variation, residue mobility, and thermodynamic stability) has been performed for this missense variant. However, the output from this modeling did not meet the statistical confidence thresholds required to predict the impact of this variant on FLNA protein function. In summary, the available evidence is currently insufficient to determine the role of this variant in disease. Therefore, it has been classified as a Variant of Uncertain Significance.